The following is an entry in ClinVar:

NM_004444.5(EPHB4):c.1020C>G (p.His340Gln)

Gene: EPHB4 (EPH receptor B4; minus strand). Cytogenetic location: 7q22.1.
Variant type: single nucleotide variant.
Coding change: c.1020C>G on transcript NM_004444.5 (MANE Select); coding-DNA position 1020, C replaced by G.
Protein change: p.His340Gln; replaces histidine 340 with glutamine.
Molecular consequence: missense variant.
Genome position (GRCh38, 1-based): chr7:100,819,834, G>C on the plus strand (C>G on the coding strand, the complement: EPHB4 is on the minus strand). VCF-style: chr7-100819834-G-C. GRCh37 (hg19) VCF-style: chr7-100417456-G-C.
Other names: short protein forms H340Q.
Identifiers: ClinVar variation 1757991 (VCV001757991.2), dbSNP rs771125758, ClinGen allele CA368576874.

ClinVar aggregate classification (germline): Uncertain significance (1 of 4 stars; one submission).

Conditions:
Cardiovascular phenotype. Identifiers: MedGen CN230736.

Allele frequency attached by ClinVar (database versions not stated): gnomAD exomes below 0.00001.
gnomAD v4.1: 1 of 1,556,070 alleles (0.000064%); highest among the groups gnomAD compares: South Asian, 0.0012%; no homozygotes.

Submission:

Ambry Genetics
Classification: Uncertain significance for Cardiovascular phenotype. Last evaluated: 2021-10-11. Review status: criteria provided, single submitter. Criteria: Ambry Variant Classification Scheme 2023. Collection method: clinical testing. Allele origin: germline.
Comment: The p.H340Q variant (also known as c.1020C>G), located in coding exon 6 of the EPHB4 gene, results from a C to G substitution at nucleotide position 1020. The histidine at codon 340 is replaced by glutamine, an amino acid with highly similar properties. This amino acid position is conserved. In addition, this alteration is predicted to be tolerated by in silico analysis. Since supporting evidence is limited at this time, the clinical significance of this alteration remains unclear.